The following is an entry in ClinVar:

ClinVar aggregate classification (germline): Likely benign. Review status: criteria provided, multiple submitters, no conflicts (2 of 4 stars). 3 submissions from 3 submitters: Likely benign (3). Last evaluated 2025-12-23.

Conditions:
Catecholaminergic polymorphic ventricular tachycardia 1. Also called: VENTRICULAR TACHYCARDIA, STRESS-INDUCED POLYMORPHIC 1; VENTRICULAR TACHYCARDIA, CATECHOLAMINERGIC POLYMORPHIC, 1, WITH OR WITHOUT ATRIAL DYSFUNCTION AND/OR DILATED CARDIOMYOPATHY; RYR2-Related Catecholaminergic Polymorphic Ventricular Tachycardia. Identifiers: Orphanet 3286, MedGen C1631597, MONDO:0011484, OMIM 604772.
Cardiovascular phenotype. Identifiers: MedGen CN230736.
Catecholaminergic polymorphic ventricular tachycardia (CVPT). Also called: Catecholamine-induced polymorphic ventricular tachycardia. Identifiers: Orphanet 3286, MedGen C5574922, MONDO:0017990.

Allele frequency attached by ClinVar (database versions not stated): ExAC 0.00001; gnomAD exomes 0.00001.
gnomAD v4.1: 8 of 1,613,278 alleles (0.0005%); highest among the groups gnomAD compares: Non-Finnish European, 0.00042%; no homozygotes.

Submissions (3):

Labcorp Genetics (formerly Invitae), Labcorp
Classification: Likely benign for Catecholaminergic polymorphic ventricular tachycardia 1. Last evaluated: 2025-12-23. Review status: criteria provided, single submitter. Criteria: Invitae Variant Classification Sherloc (09022015). Collection method: clinical testing. Allele origin: germline.

All of Us Research Program, National Institutes of Health
Classification: Likely benign for Catecholaminergic polymorphic ventricular tachycardia. Last evaluated: 2023-10-23. Review status: criteria provided, single submitter. Criteria: ACMG Guidelines, 2015. Collection method: clinical testing. Allele origin: germline. Inheritance: Autosomal dominant inheritance. Observed: 1 variant allele, 1 heterozygote.
Comment: This study involves interpretation of variants in research participants for the purpose of population health screening. Participant phenotype was not available at the time of variant classification. Additional details can be found in publication PMID: 35346344, PMCID: PMC8962531

Ambry Genetics
Classification: Likely benign for Cardiovascular phenotype. Last evaluated: 2022-08-08. Review status: criteria provided, single submitter. Criteria: Ambry Variant Classification Scheme 2023. Collection method: clinical testing. Allele origin: germline.

NM_001035.3(RYR2):c.4779C>T (p.His1593=)

Gene: RYR2 (ryanodine receptor 2; plus strand). Cytogenetic location: 1q43.
Variant type: single nucleotide variant.
Coding change: c.4779C>T on transcript NM_001035.3 (MANE Select); coding-DNA position 4779, C replaced by T.
Protein change: p.His1593=; no amino-acid change (histidine 1593 retained).
Molecular consequence: synonymous variant.
Genome position (GRCh38, 1-based): chr1:237,610,857, C>T. VCF-style: chr1-237610857-C-T. GRCh37 (hg19) VCF-style: chr1-237774157-C-T.
Identifiers: ClinVar variation 1634946 (VCV001634946.12), dbSNP rs769774527, ClinGen allele CA086733.